The following is an entry in ClinVar:

NM_014244.5(ADAMTS2):c.535-1G>A

Gene: ADAMTS2 (ADAM metallopeptidase with thrombospondin type 1 motif 2; minus strand). Cytogenetic location: 5q35.3.
Variant type: single nucleotide variant.
Coding change: c.535-1G>A on transcript NM_014244.5 (MANE Select); the canonical splice acceptor site of the intron before coding-DNA position 535, G replaced by A.
Molecular consequence: splice acceptor variant.
Genome position (GRCh38, 1-based): chr5:179,273,065, C>T on the plus strand (G>A on the coding strand, the complement: ADAMTS2 is on the minus strand). VCF-style: chr5-179273065-C-T. GRCh37 (hg19) VCF-style: chr5-178700066-C-T.
Other names: c.535-1G>A (NM_021599.4).
Identifiers: ClinVar variation 4081655 (VCV004081655.1).

ClinVar aggregate classification (germline): Likely pathogenic (1 of 4 stars; one submission).

Conditions:
Ehlers-Danlos syndrome, dermatosparaxis type. Also called: Ehlers-Danlos syndrome, type VII, autosomal recessive; Dermatosparaxis; EDS VIIC. Identifiers: Orphanet 1901, MedGen C2700425, MONDO:0009161, OMIM 225410.

Submission:

Myriad Genetics, Inc.
Classification: Likely pathogenic for Ehlers-Danlos syndrome, dermatosparaxis type. Last evaluated: 2025-07-02. Review status: criteria provided, single submitter. Criteria: Myriad Autosomal Dominant, Autosomal Recessive and X-Linked Classification Criteria (2023). Collection method: clinical testing. Allele origin: unknown.
Comment: NM_014244.4(ADAMTS2):c.535-1G>A is a variant in a canonical splice site classified as likely pathogenic in the context of Ehlers-Danlos syndrome, ADAMTS2-related. c.535-1G>A has not been observed in cases with relevant disease. Relevant functional assessments of this variant are not available in the literature. c.535-1G>A has not been observed in referenced population frequency databases. In summary, NM_014244.4(ADAMTS2):c.535-1G>A is a variant in a canonical splice site in a gene where loss of function is a known mechanism of disease and is predicted to disrupt protein function. Please note: this variant was assessed in the context of healthy population screening.